The following is an entry in ClinVar:

NM_206933.4(USH2A):c.653T>A (p.Val218Glu)

Gene: USH2A (usherin; minus strand). Cytogenetic location: 1q41.
Variant type: single nucleotide variant.
Coding change: c.653T>A on transcript NM_206933.4 (MANE Select); coding-DNA position 653, T replaced by A.
Protein change: p.Val218Glu; replaces valine 218 with glutamic acid.
Molecular consequence: missense variant.
Genome position (GRCh38, 1-based): chr1:216,365,084, A>T on the plus strand (T>A on the coding strand, the complement: USH2A is on the minus strand). VCF-style: chr1-216365084-A-T. GRCh37 (hg19) VCF-style: chr1-216538426-A-T.
Other names: c.653T>A, p.Val218Glu (NM_007123.6); short protein forms V218E.
Identifiers: ClinVar variation 48564 (VCV000048564.76), dbSNP rs397518026, ClinGen allele CA262114.

ClinVar aggregate classification (germline): Pathogenic/Likely pathogenic. Review status: criteria provided, multiple submitters, no conflicts (2 of 4 stars). 18 submissions from 18 submitters: Pathogenic (11); Likely pathogenic (2). 5 of the submissions do not count toward it. Last evaluated 2026-06-09.

Conditions:
Usher syndrome. Also called: Usher Syndromes; Usher's syndrome. Identifiers: Orphanet 886, MedGen CN469326, MeSH D052245, MONDO:0019501. Disease mechanism: loss of function.
USH2A-related disorder. Also called: USH2A-related disorders; USH2A-related condition. Identifiers: MedGen CN239332.
Rare genetic deafness. Identifiers: Orphanet 96210, MedGen C5680250.
Retinal dystrophy. Also called: Inherited retinal dystrophy. Identifiers: Orphanet 71862, MedGen C0854723, MeSH D058499, MONDO:0019118, HP:0000556.
Retinitis pigmentosa (RP). Identifiers: Orphanet 791, MedGen C0035334, MeSH D012174, MONDO:0019200, OMIM 268000. Inheritance: Autosomal dominant, autosomal recessive and X linked inheritance.
Retinitis pigmentosa 39 (RP39). Identifiers: Orphanet 791, MedGen C3151138, MONDO:0013436, OMIM 613809.
Usher syndrome type 2A. Also called: USHER SYNDROME, TYPE IIA; RETINAL DISEASE IN USHER SYNDROME TYPE IIA, MODIFIER OF. Identifiers: Orphanet 231178, Orphanet 886, MedGen C1848634, MONDO:0010169, OMIM 276901.

Allele frequency attached by ClinVar (database versions not stated): TOPMed 0.00002; gnomAD 0.00001.
gnomAD v4.1: 24 of 1,611,562 alleles (0.0015%); highest among the groups gnomAD compares: Non-Finnish European, 0.0019%; no homozygotes.

Submissions (18):

PreventionGenetics, part of Exact Sciences
Classification: Pathogenic for USH2A-related condition. Last evaluated: 2026-06-09. Review status: criteria provided, single submitter. Criteria: ACMG Guidelines, 2015. Collection method: clinical testing. Allele origin: germline.
Comment: The USH2A c.653T>A variant is predicted to result in the amino acid substitution p.Val218Glu. This variant has been reported in the compound heterozygous state with a second pathogenic or likely pathogenic USH2A variant in multiple unrelated affected patients (Leroy et al. 2001. PubMed ID: 11311042; Baux et al. 2007. PubMed ID: 17405132; Cremers et al. 2007. PubMed ID: 16963483; Herrera et al. 2008. PubMed ID: 18281613; Besnard et al. 2014. PubMed ID: 24498627; Table S2, Bonnet et al. 2016. PubMed ID: 27460420; Table S2, Carss et al. 2016. PubMed ID: 28041643). This variant is reported in 0.0071% of alleles in individuals of European (Non-Finnish) descent in gnomAD. This variant is interpreted as pathogenic.

Labcorp Genetics (formerly Invitae), Labcorp
Classification: Pathogenic. Last evaluated: 2025-10-12. Review status: criteria provided, single submitter. Criteria: Invitae Variant Classification Sherloc (09022015). Collection method: clinical testing. Allele origin: germline.
Comment: This sequence change replaces valine, which is neutral and non-polar, with glutamic acid, which is acidic and polar, at codon 218 of the USH2A protein (p.Val218Glu). This variant is present in population databases (rs397518026, gnomAD 0.007%). This missense change has been observed in individual(s) with Usher syndrome (PMID: 11311042, 16963483, 21569298, 28559085). In at least one individual the data is consistent with being in trans (on the opposite chromosome) from a pathogenic variant. ClinVar contains an entry for this variant (Variation ID: 48564). An algorithm developed to predict the effect of missense changes on protein structure and function (PolyPhen-2) suggests that this variant is likely to be disruptive. For these reasons, this variant has been classified as Pathogenic.

Natera, Inc.
Classification: Pathogenic for Usher syndrome type 2A. Last evaluated: 2025-07-16. Review status: criteria provided, single submitter. Criteria: Natera Variant Classification Schema (03/2026). Collection method: clinical testing. Allele origin: germline.
Comment: The c.653T>A variant in USH2A is a missense variant predicted to cause substitution of valine to glutamic acid at amino acid 218. This variant is rare in the general population with a frequency below the threshold expected for the associated phenotype(s). This variant has been observed in one or more individuals affected with the associated recessive disease, as either homozygous or compound heterozygous with a second variant (PMID: 27460420, 28944237). Computational prediction algorithms indicate this variant is likely to affect gene or protein function. Given the available evidence, this variant is classified as Pathogenic.

CeGaT Center for Human Genetics Tuebingen
Classification: Pathogenic. Last evaluated: 2025-03-01. Review status: criteria provided, single submitter. Criteria: CeGaT Center For Human Genetics Tuebingen Variant Classification Criteria Version 2. Collection method: clinical testing. Allele origin: germline. Affected: yes. Observed: 9 variant alleles.
Comment: USH2A: PM3:Very Strong, PM2

Women's Health and Genetics/Laboratory Corporation of America, LabCorp
Classification: Pathogenic for Usher syndrome. Last evaluated: 2024-12-20. Review status: criteria provided, single submitter. Criteria: LabCorp Variant Classification Summary - May 2015. Collection method: clinical testing. Allele origin: germline.
Comment: Variant summary: USH2A c.653T>A (p.Val218Glu) results in a non-conservative amino acid change in the encoded protein sequence. Five of five in-silico tools predict a damaging effect of the variant on protein function. Several computational tools predict a significant impact on normal splicing: Three predict the variant weakens the canonical 3' acceptor site. One predict the variant no significant impact on splicing. However, these predictions have yet to be confirmed by functional studies. The variant allele was found at a frequency of 3.2e-05 in 249288 control chromosomes. c.653T>A has been reported in the literature in multiple individuals affected with Usher Syndrome and retinitis pigmentosa (Weisschuh_2020). These data indicate that the variant is very likely to be associated with disease. To our knowledge, no experimental evidence demonstrating an impact on protein function has been reported. The following publication has been ascertained in the context of this evaluation (PMID: 37734845). ClinVar contains an entry for this variant (Variation ID: 48564). Based on the evidence outlined above, the variant was classified as pathogenic.

Baylor Genetics
Classification: Pathogenic for Retinitis pigmentosa 39. Last evaluated: 2023-12-29. Review status: criteria provided, single submitter. Criteria: ACMG Guidelines, 2015. Collection method: clinical testing. Allele origin: unknown.

Blueprint Genetics
Classification: Pathogenic for USH2A-related disorders. Last evaluated: 2022-12-05. Review status: criteria provided, single submitter. Criteria: ACMG Guidelines, 2015. Collection method: clinical testing. Allele origin: germline. Affected: yes. Observed: 5 variant alleles.

GeneDx
Classification: Pathogenic. Last evaluated: 2022-09-27. Review status: criteria provided, single submitter. Criteria: GeneDx Variant Classification Process June 2021. Collection method: clinical testing. Allele origin: germline. Affected: yes.
Comment: Not observed at a significant frequency in large population cohorts (gnomAD); In silico analysis, which includes protein predictors and evolutionary conservation, supports a deleterious effect; This variant is associated with the following publications: (PMID: 17405132, 18463160, 20052763, 16963483, 32531858, 11311042, 28944237, 27460420, 23591405, 21569298, 18281613, 27318125, 25902111, 26654877, 24498627, 28041643, 28559085, 24944099)

MGZ Medical Genetics Center
Classification: Pathogenic for Usher syndrome type 2A. Last evaluated: 2022-05-09. Review status: criteria provided, single submitter. Criteria: ACMG Guidelines, 2015. Collection method: clinical testing. Allele origin: germline. Affected: yes. Observed: 1 variant allele.
Comment: ACMG criteria applied: PS4, PM3_STR, PM2_SUP, PP3

Institute of Human Genetics, Univ. Regensburg, Univ. Regensburg
Classification: Likely pathogenic for Retinal dystrophy. Last evaluated: 2022-01-01. Review status: criteria provided, single submitter. Criteria: ACMG Guidelines, 2015. Collection method: clinical testing. Allele origin: germline. Affected: yes.

Broad Center for Mendelian Genomics, Broad Institute of MIT and Harvard
Classification: Likely pathogenic for Retinitis pigmentosa. Last evaluated: 2021-04-01. Review status: criteria provided, single submitter. Criteria: ACMG Guidelines, 2015. Collection method: curation. Allele origin: germline. Inheritance: Autosomal recessive inheritance. Affected: yes.
Comment: Through a review of available evidence we were able to apply the following criteria: PM2, PP3, PM3-S. Based on this evidence we have classified this variant as Likely Pathogenic. If you have any questions about the classification please reach out to the Pierce Lab.

Institute of Medical Genetics and Applied Genomics, University Hospital Tübingen
Classification: Pathogenic. Last evaluated: 2020-10-23. Review status: criteria provided, single submitter. Criteria: ACMG Guidelines, 2015. Collection method: clinical testing. Allele origin: germline. Inheritance: Autosomal recessive inheritance. Affected: yes.

Laboratory for Molecular Medicine, Mass General Brigham Personalized Medicine
Classification: Pathogenic for Rare genetic deafness. Last evaluated: 2016-08-09. Review status: criteria provided, single submitter. Criteria: LMM Criteria. Collection method: clinical testing. Allele origin: germline. Inheritance: Autosomal recessive inheritance. Observed: 3 variant alleles.
Comment: The p.Val218Glu variant in USH2A has been reported in at least 8 individuals wit h Usher syndrome, all of whom carried a second, pathogenic USH2A variant on the other allele (Leroy 2001, Cremers 2007, Baux 2007, Herrera 2008, Bonnet 2011, Gl ockle 2013, Besnard 2014). This variant has also been identified in 5/66590 Euro pean chromosomes by the Exome Aggregation Consortium (ExAC; dbSNP rs397518026). Although it has been seen in the general populat ion, its frequency is low enough to be consistent with a recessive carrier frequ ency. In summary, this variant meets criteria to be classified as pathogenic for Usher syndrome in an autosomal recessive manner based upon its occurrence in tr ans with known pathogenic USH2A variants in multiple affected individuals.

Counsyl
Classification: Pathogenic for Retinitis pigmentosa 39. Last evaluated: 2017-04-20. Review status: no assertion criteria provided. Collection method: clinical testing. Allele origin: unknown. Not counted in ClinVar's aggregate classification.

NIHR Bioresource Rare Diseases, University of Cambridge
Classification: Likely pathogenic for Retinitis pigmentosa. Last evaluated: 2015-01-01. Review status: no assertion criteria provided. Collection method: research. Allele origin: unknown. Affected: yes. Observed: 1 variant allele. Not counted in ClinVar's aggregate classification.

Clinical Genetics, Academic Medical Center
Classification: Likely pathogenic. Review status: no assertion criteria provided. Collection method: clinical testing. Allele origin: germline. Affected: yes. Study: VKGL Data-share Consensus. Not counted in ClinVar's aggregate classification.

Joint Genome Diagnostic Labs from Nijmegen and Maastricht, Radboudumc and MUMC+
Classification: Likely pathogenic. Review status: no assertion criteria provided. Collection method: clinical testing. Allele origin: germline. Affected: yes. Study: VKGL Data-share Consensus. Not counted in ClinVar's aggregate classification.

Eurofins Ntd Llc (ga)
Classification: Uncertain significance. Last evaluated: 2015-09-24. Review status: flagged submission. Criteria: EGL Classification Definitions 2015. Collection method: clinical testing. Allele origin: germline. Observed: 1 variant allele, 1 heterozygote. Not counted in ClinVar's aggregate classification.
ClinVar note: Reason: Older and outlier claim with insufficient supporting evidence

Literature cited by the submitters: PubMed 11311042 (cited by 6 submitters); PubMed 16963483 (cited by 3 submitters); PubMed 21569298 (cited by 3 submitters); PubMed 28559085 (cited by 3 submitters); PubMed 27460420 (cited by 3 submitters); PubMed 28944237 (cited by Natera, Inc.); PubMed 37734845 (cited by Women's Health and Genetics/Laboratory Corporation of America, LabCorp); PubMed 24498627 (cited by 4 submitters); PubMed 28041643 (cited by 3 submitters); PubMed 31964843 (cited by Institute of Human Genetics, Univ. Regensburg, Univ. Regensburg); PubMed 32531858 (cited by Institute of Human Genetics, Univ. Regensburg, Univ. Regensburg); PubMed 34948090 (cited by Institute of Human Genetics, Univ. Regensburg, Univ. Regensburg); PubMed 35266249 (cited by Institute of Human Genetics, Univ. Regensburg, Univ. Regensburg); PubMed 36460718 (cited by Institute of Human Genetics, Univ. Regensburg, Univ. Regensburg); PubMed 36785559 (cited by Institute of Human Genetics, Univ. Regensburg, Univ. Regensburg); PubMed 34906470 (cited by Broad Center for Mendelian Genomics, Broad Institute of MIT and Harvard); PubMed 17405132 (cited by 3 submitters); PubMed 18281613 (cited by Broad Center for Mendelian Genomics, Broad Institute of MIT and Harvard and Laboratory for Molecular Medicine, Mass General Brigham Personalized Medicine); PubMed 20052763 (cited by 3 submitters); PubMed 23591405 (cited by 3 submitters); PubMed 24944099 (cited by Broad Center for Mendelian Genomics, Broad Institute of MIT and Harvard and Counsyl).